The following is an entry in ClinVar:

NM_004341.5(CAD):c.2886C>G (p.Leu962=)

Gene: CAD (carbamoyl-phosphate synthetase 2, aspartate transcarbamylase, and dihydroorotase; plus strand). Cytogenetic location: 2p23.3.
Variant type: single nucleotide variant.
Coding change: c.2886C>G on transcript NM_004341.5 (MANE Select); coding-DNA position 2886, C replaced by G.
Protein change: p.Leu962=; no amino-acid change (leucine 962 retained).
Molecular consequence: synonymous variant.
Genome position (GRCh38, 1-based): chr2:27,232,688, C>G. VCF-style: chr2-27232688-C-G. GRCh37 (hg19) VCF-style: chr2-27455556-C-G.
Other names: c.2886C>G (NM_004341.4); c.2697C>G, p.Leu899= (NM_001306079.2).
Identifiers: ClinVar variation 1571652 (VCV001571652.23), dbSNP rs569173180, ClinGen allele CA1573117.
Genomic context (GRCh38, chr2:27,232,688, plus strand): 5'-CTACCGTATTGGCTCTAGCGTTGAATTTGACTGGTGTGCTGTAGGCTGCATCCAGCAGCT[C>G]CGAAAGGTCAGAGAGTTCATTTTCTTTCCACTTTCCTTGCTATTCTGTTCATCTCTAGCA-3'
Protein context (NP_004332.2, residues 952-972): DWCAVGCIQQ[Leu962=]RKMGYKTIMV

ClinVar aggregate classification (germline): Likely benign. Review status: criteria provided, multiple submitters, no conflicts (2 of 4 stars). 3 submissions from 3 submitters: Likely benign (2). 1 of the submissions does not count toward it. Last evaluated 2026-03-01.

Conditions:
CAD-related disorder. Also called: CAD-related condition.

Allele frequency attached by ClinVar (database versions not stated): gnomAD 0.00003 and 0.00004; gnomAD exomes 0.00005 and 0.00007; ExAC 0.00006; TOPMed 0.00008; 1000 Genomes Project 30x 0.00016; 1000 Genomes Project 0.00020.
gnomAD v4.1: 78 of 1,614,184 alleles (0.0048%); highest among the groups gnomAD compares: South Asian, 0.043%; no homozygotes.

Submissions (3):

CeGaT Center for Human Genetics Tuebingen
Classification: Likely benign. Last evaluated: 2026-03-01. Review status: criteria provided, single submitter. Criteria: CeGaT Center For Human Genetics Tuebingen Variant Classification Criteria Version 2. Collection method: clinical testing. Allele origin: germline. Affected: yes. Observed: 2 variant alleles.
Comment: CAD: BP4, BP7

Labcorp Genetics (formerly Invitae), Labcorp
Classification: Likely benign. Last evaluated: 2026-02-02. Review status: criteria provided, single submitter. Criteria: Invitae Variant Classification Sherloc (09022015). Collection method: clinical testing. Allele origin: germline.

PreventionGenetics, part of Exact Sciences
Classification: Likely benign for CAD-related condition. Last evaluated: 2019-02-22. Review status: no assertion criteria provided. Collection method: clinical testing. Allele origin: germline. Not counted in ClinVar's aggregate classification.
Comment: This variant is classified as likely benign based on ACMG/AMP sequence variant interpretation guidelines (Richards et al. 2015 PMID: 25741868, with internal and published modifications).